The following is an entry in ClinVar:

NM_001036.6(RYR3):c.4744A>G (p.Ser1582Gly)

Gene: RYR3 (ryanodine receptor 3; plus strand). Cytogenetic location: 15q14.
Variant type: single nucleotide variant.
Coding change: c.4744A>G on transcript NM_001036.6 (MANE Select); coding-DNA position 4744, A replaced by G.
Protein change: p.Ser1582Gly; replaces serine 1582 with glycine.
Molecular consequence: missense variant.
Genome position (GRCh38, 1-based): chr15:33,662,274, A>G. VCF-style: chr15-33662274-A-G. GRCh37 (hg19) VCF-style: chr15-33954475-A-G.
Other names: c.4744A>G, p.Ser1582Gly (NM_001243996.4); short protein forms S1582G.
Identifiers: ClinVar variation 3051019 (VCV003051019.2), dbSNP rs2504757645, ClinGen allele CA391568860.

ClinVar aggregate classification (germline): Uncertain significance (0 of 4 stars; one submission).

Conditions:
RYR3-related disorder. Also called: RYR3-related condition.

Submission:

PreventionGenetics, part of Exact Sciences
Classification: Uncertain significance for RYR3-related condition. Last evaluated: 2023-11-08. Review status: no assertion criteria provided. Collection method: clinical testing. Allele origin: germline.
Comment: The RYR3 c.4744A>G variant is predicted to result in the amino acid substitution p.Ser1582Gly. To our knowledge, this variant has not been reported in the literature or in a large population database, indicating this variant is rare. At this time, the clinical significance of this variant is uncertain due to the absence of conclusive functional and genetic evidence.